The following is an entry in ClinVar:

NM_001378418.1(TCF20):c.2750T>C (p.Met917Thr)

Gene: TCF20 (transcription factor 20; minus strand). Cytogenetic location: 22q13.2.
Variant type: single nucleotide variant.
Coding change: c.2750T>C on transcript NM_001378418.1 (MANE Select); coding-DNA position 2750, T replaced by C.
Protein change: p.Met917Thr; replaces methionine 917 with threonine.
Molecular consequence: missense variant.
Genome position (GRCh38, 1-based): chr22:42,212,556, A>G on the plus strand (T>C on the coding strand, the complement: TCF20 is on the minus strand). VCF-style: chr22-42212556-A-G. GRCh37 (hg19) VCF-style: chr22-42608562-A-G.
Other names: c.2750T>C, p.Met917Thr (NM_005650.4, NM_181492.3); short protein forms M917T.
Identifiers: ClinVar variation 5010017 (VCV005010017.1).
Genomic context (GRCh38, chr22:42,212,556, plus strand): 5'-TTAGACTGTTCAAAGTCTTCCTCTTTTATCTGCCCGCTCTGGGATTTCAGCTTGGTTTCC[A>G]TGGACACCAAACCACCAGGAAGAATGACCGACTGACTTAAAGTTGGATTGAGACGGTCAT-3'
Protein context (NP_001365347.1, residues 907-927): SVILPGGLVS[Met917Thr]ETKLKSQSGQ

ClinVar aggregate classification (germline): Uncertain significance (1 of 4 stars; one submission).

gnomAD v4.1: 10 of 1,614,024 alleles (0.00062%); highest among the groups gnomAD compares: Non-Finnish European, 0.00085%; no homozygotes.

Submission:

GeneDx
Classification: Uncertain significance. Last evaluated: 2026-02-23. Review status: criteria provided, single submitter. Criteria: GeneDx Variant Classification Process June 2021. Collection method: clinical testing. Allele origin: germline.
Comment: Not observed at significant frequency in large population cohorts (gnomAD); In silico analysis suggests that this missense variant does not alter protein structure/function; Has not been previously published as pathogenic or benign to our knowledge